The following is an entry in ClinVar:

NM_024757.5(EHMT1):c.338A>G (p.Asp113Gly)

Gene: EHMT1 (euchromatic histone lysine methyltransferase 1; plus strand). Cytogenetic location: 9q34.3.
Variant type: single nucleotide variant.
Coding change: c.338A>G on transcript NM_024757.5 (MANE Select); coding-DNA position 338, A replaced by G.
Protein change: p.Asp113Gly; replaces aspartic acid 113 with glycine.
Molecular consequence: missense variant.
Genome position (GRCh38, 1-based): chr9:137,716,878, A>G. VCF-style: chr9-137716878-A-G. GRCh37 (hg19) VCF-style: chr9-140611330-A-G.
Other names: c.338A>G, p.Asp113Gly (NM_001145527.2, NM_001354263.2, NM_001354611.2); c.245A>G, p.Asp82Gly (NM_001354259.2, NM_001354612.2); short protein forms D113G, D82G.
Identifiers: ClinVar variation 1955594 (VCV001955594.5), dbSNP rs2541033221, ClinGen allele CA375764466.

ClinVar aggregate classification (germline): Uncertain significance (1 of 4 stars; one submission).

Conditions:
Kleefstra syndrome 1 (KLEFS1). Identifiers: Orphanet 261494, MedGen C0795833, MONDO:0027407, OMIM 610253.

gnomAD v4.1: 1 of 1,613,278 alleles (0.000062%); highest among the groups gnomAD compares: Non-Finnish European, 0.000085%; no homozygotes.

Submission:

Labcorp Genetics (formerly Invitae), Labcorp
Classification: Uncertain significance for Kleefstra syndrome 1. Last evaluated: 2026-01-19. Review status: criteria provided, single submitter. Criteria: Invitae Variant Classification Sherloc (09022015). Collection method: clinical testing. Allele origin: germline.
Comment: This sequence change replaces aspartic acid, which is acidic and polar, with glycine, which is neutral and non-polar, at codon 113 of the EHMT1 protein (p.Asp113Gly). This variant is not present in population databases (gnomAD no frequency). This variant has not been reported in the literature in individuals affected with EHMT1-related conditions. ClinVar contains an entry for this variant (Variation ID: 1955594). An algorithm developed to predict the effect of missense changes on protein structure and function outputs the following: PolyPhen-2: "Benign". The glycine amino acid residue is found in multiple mammalian species, which suggests that this missense change does not adversely affect protein function. In summary, the available evidence is currently insufficient to determine the role of this variant in disease. Therefore, it has been classified as a Variant of Uncertain Significance.